The following is an entry in ClinVar:

NM_003002.4(SDHD):c.200C>G (p.Thr67Ser)

Gene: SDHD (succinate dehydrogenase complex subunit D; plus strand). Cytogenetic location: 11q23.1.
Variant type: single nucleotide variant.
Coding change: c.200C>G on transcript NM_003002.4 (MANE Select); coding-DNA position 200, C replaced by G.
Protein change: p.Thr67Ser; replaces threonine 67 with serine.
Molecular consequence: missense variant. On other transcripts: non-coding transcript variant (1), intron variant (1).
Genome position (GRCh38, 1-based): chr11:112,088,897, C>G. VCF-style: chr11-112088897-C-G. GRCh37 (hg19) VCF-style: chr11-111959621-C-G.
Other names: c.83C>G, p.Thr28Ser (NM_001276504.2); c.200C>G, p.Thr67Ser (NM_001276506.2); c.169+924C>G (NM_001276503.2); short protein forms T28S, T67S.
Identifiers: ClinVar variation 4864289 (VCV004864289.1).
Genomic context (GRCh38, chr11:112,088,897, plus strand): 5'-CAACTTTTATGAATCTGGTCCTTTTTGTAGCTGGCTCCAAGGCTGCATCTCTCCACTGGA[C>G]TAGCGAGAGGGTTGTCAGTGTTTTGCTCCTGGGTCTGCTTCCGGCTGCTTATTTGAATCC-3'
Protein context (NP_002993.1, residues 57-77): SGSKAASLHW[Thr67Ser]SERVVSVLLL

ClinVar aggregate classification (germline): Uncertain significance (1 of 4 stars; one submission).

Conditions:
Hereditary cancer-predisposing syndrome. Also called: Neoplastic Syndromes, Hereditary; Tumor predisposition; Hereditary Cancer Syndrome; Hereditary neoplastic syndrome. Identifiers: Orphanet 140162, MedGen C0027672, MeSH D009386, MONDO:0015356.

Submission:

Ambry Genetics
Classification: Uncertain significance for Hereditary cancer-predisposing syndrome. Last evaluated: 2026-03-23. Review status: criteria provided, single submitter. Criteria: Ambry Variant Classification Scheme 2023. Collection method: clinical testing. Allele origin: germline.
Comment: The p.T67S variant (also known as c.200C>G), located in coding exon 3 of the SDHD gene, results from a C to G substitution at nucleotide position 200. The threonine at codon 67 is replaced by serine, an amino acid with similar properties. This amino acid position is conserved. In addition, this alteration is predicted to be deleterious by in silico analysis. Based on the available evidence, the clinical significance of this variant remains unclear.